The following is an entry in ClinVar:

ClinVar aggregate classification (germline): Uncertain significance. Review status: criteria provided, multiple submitters, no conflicts (2 of 4 stars). 2 submissions from 2 submitters: Uncertain significance (2). Last evaluated 2025-07-28.

Conditions:
Cardiovascular phenotype. Identifiers: MedGen CN230736.
Dilated cardiomyopathy 1DD (CMD1DD). Identifiers: Orphanet 154, MedGen C2750995, MONDO:0013168, OMIM 613172.

Allele frequency attached by ClinVar (database versions not stated): gnomAD exomes below 0.00001; TOPMed below 0.00001.
gnomAD v4.1: 2 of 1,502,730 alleles (0.00013%); highest among the groups gnomAD compares: Non-Finnish European, 0.00009%; no homozygotes.

Submissions (2):

Labcorp Genetics (formerly Invitae), Labcorp
Classification: Uncertain significance for Dilated cardiomyopathy 1DD. Last evaluated: 2025-07-28. Review status: criteria provided, single submitter. Criteria: Invitae Variant Classification Sherloc (09022015). Collection method: clinical testing. Allele origin: germline.
Comment: This sequence change replaces threonine, which is neutral and polar, with alanine, which is neutral and non-polar, at codon 509 of the RBM20 protein (p.Thr509Ala). This variant is not present in population databases (gnomAD no frequency). This variant has not been reported in the literature in individuals affected with RBM20-related conditions. ClinVar contains an entry for this variant (Variation ID: 846114). An algorithm developed to predict the effect of missense changes on protein structure and function (PolyPhen-2) suggests that this variant is likely to be tolerated. In summary, the available evidence is currently insufficient to determine the role of this variant in disease. Therefore, it has been classified as a Variant of Uncertain Significance.

Ambry Genetics
Classification: Uncertain significance for Cardiovascular phenotype. Last evaluated: 2025-01-04. Review status: criteria provided, single submitter. Criteria: Ambry Variant Classification Scheme 2023. Collection method: clinical testing. Allele origin: germline.
Comment: The p.T509A variant (also known as c.1525A>G), located in coding exon 5 of the RBM20 gene, results from an A to G substitution at nucleotide position 1525. The threonine at codon 509 is replaced by alanine, an amino acid with similar properties. This amino acid position is conserved. In addition, this alteration is predicted to be tolerated by in silico analysis. Based on the available evidence, the clinical significance of this variant remains unclear.

NM_001134363.3(RBM20):c.1525A>G (p.Thr509Ala)

Gene: RBM20 (RNA binding motif protein 20; plus strand). Cytogenetic location: 10q25.2.
Variant type: single nucleotide variant.
Coding change: c.1525A>G on transcript NM_001134363.3 (MANE Select); coding-DNA position 1525, A replaced by G.
Protein change: p.Thr509Ala; replaces threonine 509 with alanine.
Molecular consequence: missense variant.
Genome position (GRCh38, 1-based): chr10:110,784,887, A>G. VCF-style: chr10-110784887-A-G. GRCh37 (hg19) VCF-style: chr10-112544645-A-G.
Other names: c.1525A>G (NM_001134363.1); short protein forms T509A.
Identifiers: ClinVar variation 846114 (VCV000846114.10), dbSNP rs1844401481, ClinGen allele CA378388556.